The following is an entry in ClinVar:

NM_000179.3(MSH6):c.213C>T (p.Asn71=)

Gene: MSH6 (mutS homolog 6; plus strand). Cytogenetic location: 2p16.3.
Variant type: single nucleotide variant.
Coding change: c.213C>T on transcript NM_000179.3 (MANE Select); coding-DNA position 213, C replaced by T.
Protein change: p.Asn71=; no amino-acid change (asparagine 71 retained).
Molecular consequence: synonymous variant. On other transcripts: 5 prime UTR variant (7), missense variant (1), non-coding transcript variant (5), intron variant (5).
Genome position (GRCh38, 1-based): chr2:47,783,446, C>T. VCF-style: chr2-47783446-C-T. GRCh37 (hg19) VCF-style: chr2-48010585-C-T.
Other names: c.213C>T, p.Asn71= (NM_001281492.2, NM_001406795.1, NM_001406796.1 and 9 more transcripts); c.-524C>T (NM_001281493.2, NM_001406811.1); c.-116C>T (NM_001406799.1); c.158C>T, p.Thr53Ile (NM_001406804.1); c.-716C>T (NM_001406807.1); c.-371C>T (NM_001406812.1); c.-782C>T (NM_001406814.1); c.-327C>T (NM_001406816.1); and 3 more; short protein forms T53I.
Identifiers: ClinVar variation 1967903 (VCV001967903.8), dbSNP rs2103942668, ClinGen allele CA426120813.

ClinVar aggregate classification (germline): Benign/Likely benign. Review status: criteria provided, multiple submitters, no conflicts (2 of 4 stars). 4 submissions from 4 submitters: Benign (1); Likely benign (3). Last evaluated 2025-09-29.

Conditions:
Hereditary cancer-predisposing syndrome. Also called: Tumor predisposition; Hereditary Cancer Syndrome; Hereditary neoplastic syndrome; Neoplastic Syndromes, Hereditary. Identifiers: Orphanet 140162, MedGen C0027672, MeSH D009386, MONDO:0015356.
Lynch syndrome. Identifiers: Orphanet 144, MedGen C4552100, MONDO:0005835. Disease mechanism: loss of function.
Hereditary nonpolyposis colorectal neoplasms. Identifiers: MedGen C0009405, MeSH D003123.
Lynch syndrome 5 (LYNCH5). Also called: Hereditary non-polyposis colorectal cancer, type 5; Colorectal cancer, hereditary nonpolyposis, type 5. Identifiers: Orphanet 144, MedGen C1833477, MONDO:0013710, OMIM 614350. Disease mechanism: loss of function.

Submissions (4):

Ambry Genetics
Classification: Likely benign for Hereditary cancer-predisposing syndrome. Last evaluated: 2025-09-29. Review status: criteria provided, single submitter. Criteria: Ambry Variant Classification Scheme 2023. Collection method: clinical testing. Allele origin: germline.

Myriad Genetics, Inc.
Classification: Benign for Lynch syndrome 5. Last evaluated: 2024-12-17. Review status: criteria provided, single submitter. Criteria: Myriad Autosomal Dominant, Autosomal Recessive and X-Linked Classification Criteria (2023). Collection method: clinical testing. Allele origin: unknown.
Comment: This variant is considered benign. This variant is a silent/synonymous amino acid change and it is not expected to impact splicing.

All of Us Research Program, National Institutes of Health
Classification: Likely benign for Lynch syndrome. Last evaluated: 2023-04-03. Review status: criteria provided, single submitter. Criteria: ACMG Guidelines, 2015. Collection method: clinical testing. Allele origin: germline. Inheritance: Autosomal dominant inheritance. Observed: 1 variant allele, 1 heterozygote.
Comment: This study involves interpretation of variants in research participants for the purpose of population health screening. Participant phenotype was not available at the time of variant classification. Additional details can be found in publication PMID: 35346344, PMCID: PMC8962531

Labcorp Genetics (formerly Invitae), Labcorp
Classification: Likely benign for Hereditary nonpolyposis colorectal neoplasms. Last evaluated: 2023-03-15. Review status: criteria provided, single submitter. Criteria: Invitae Variant Classification Sherloc (09022015). Collection method: clinical testing. Allele origin: germline.